The following is an entry in ClinVar:

NM_003036.4(SKI):c.196G>C (p.Ala66Pro)

Gene: SKI (SKI proto-oncogene; plus strand). Cytogenetic location: 1p36.33.
Variant type: single nucleotide variant.
Coding change: c.196G>C on transcript NM_003036.4 (MANE Select); coding-DNA position 196, G replaced by C.
Protein change: p.Ala66Pro; replaces alanine 66 with proline.
Molecular consequence: missense variant.
Genome position (GRCh38, 1-based): chr1:2,228,962, G>C. VCF-style: chr1-2228962-G-C. GRCh37 (hg19) VCF-style: chr1-2160401-G-C.
Other names: short protein forms A66P.
Identifiers: ClinVar variation 647183 (VCV000647183.8), dbSNP rs1212316098, ClinGen allele CA337952290.

ClinVar aggregate classification (germline): Uncertain significance (1 of 4 stars; one submission).

Conditions:
Shprintzen-Goldberg syndrome (SGS). Also called: SHPRINTZEN-GOLDBERG CRANIOSYNOSTOSIS SYNDROME; CRANIOSYNOSTOSIS WITH ARACHNODACTYLY AND ABDOMINAL HERNIAS; Marfanoid disorder with craniosynostosis type 1; Marfanoid craniosynostosis syndrome; Shprintzen-Goldberg marfanoid syndrome. Identifiers: Orphanet 2462, MedGen C1321551, MONDO:0008426, OMIM 182212.

gnomAD v4.1: 1 of 1,424,706 alleles (0.00007%); highest among the groups gnomAD compares: Non-Finnish European, 0.000092%; no homozygotes.

Submission:

Labcorp Genetics (formerly Invitae), Labcorp
Classification: Uncertain significance for Shprintzen-Goldberg syndrome. Last evaluated: 2023-05-15. Review status: criteria provided, single submitter. Criteria: Invitae Variant Classification Sherloc (09022015). Collection method: clinical testing. Allele origin: germline.
Comment: This sequence change replaces alanine, which is neutral and non-polar, with proline, which is neutral and non-polar, at codon 66 of the SKI protein (p.Ala66Pro). This variant is not present in population databases (gnomAD no frequency). This variant has not been reported in the literature in individuals affected with SKI-related conditions. ClinVar contains an entry for this variant (Variation ID: 647183). Advanced modeling of protein sequence and biophysical properties (such as structural, functional, and spatial information, amino acid conservation, physicochemical variation, residue mobility, and thermodynamic stability) performed at Invitae indicates that this missense variant is not expected to disrupt SKI protein function. In summary, the available evidence is currently insufficient to determine the role of this variant in disease. Therefore, it has been classified as a Variant of Uncertain Significance.